The following is an entry in ClinVar:

ClinVar aggregate classification (germline): Benign (1 of 4 stars; one submission).

Conditions:
MHC class II deficiency. Also called: Bare lymphocyte syndrome 2; BLS, TYPE II. Identifiers: Orphanet 572, MedGen C5447452, MONDO:0008855.

Allele frequency attached by ClinVar (database versions not stated): 1000 Genomes Project 0.00539; gnomAD 0.00534 and 0.00576; 1000 Genomes Project 30x 0.00625; TOPMed 0.00602.

Submission:

Illumina Laboratory Services, Illumina
Classification: Benign for MHC class II deficiency 1. Last evaluated: 2018-01-13. Review status: criteria provided, single submitter. Criteria: ICSL Variant Classification Criteria 13 December 2019. Collection method: clinical testing. Allele origin: germline.
Comment: This variant was observed in the ICSL laboratory as part of a predisposition screen in an ostensibly healthy population. It had not been previously curated by ICSL or reported in the Human Gene Mutation Database (HGMD: prior to June 1st, 2018), and was therefore a candidate for classification through an automated scoring system. Utilizing variant allele frequency, disease prevalence and penetrance estimates, and inheritance mode, an automated score was calculated to assess if this variant is too frequent to cause the disease. Based on the score and internal cut-off values, a variant classified as benign is not then subjected to further curation. The score for this variant resulted in a classification of benign for this disease.

NM_001025603.2(RFX5):c.*1084A>C

Gene: RFX5 (regulatory factor X5; minus strand). Cytogenetic location: 1q21.3.
Variant type: single nucleotide variant.
Coding change: c.*1084A>C on transcript NM_001025603.2 (MANE Select); 1084 bases downstream of the stop codon, A replaced by C.
Molecular consequence: 3 prime UTR variant.
Genome position (GRCh38, 1-based): chr1:151,341,102, T>G on the plus strand (A>C on the coding strand, the complement: RFX5 is on the minus strand). VCF-style: chr1-151341102-T-G. GRCh37 (hg19) VCF-style: chr1-151313578-T-G.
Other names: c.*1084A>C (NM_000449.4, NM_001379412.1, NM_001379413.1 and 7 more transcripts).
Identifiers: ClinVar variation 292597 (VCV000292597.5), dbSNP rs116826799, ClinGen allele CA10607681.